The following is an entry in ClinVar:

ClinVar aggregate classification (germline): Uncertain significance (1 of 4 stars; one submission).

Conditions:
Neurodevelopmental disorder with hypotonia and variable intellectual and behavioral abnormalities. Identifiers: MedGen C5231423, MONDO:0032829, OMIM 618603.

Submission:

Institute of Human Genetics, University of Leipzig Medical Center
Classification: Uncertain significance for Neurodevelopmental disorder with hypotonia and variable intellectual and behavioral abnormalities. Last evaluated: 2026-03-19. Review status: criteria provided, single submitter. Criteria: ACMG Guidelines, 2015. Collection method: clinical testing. Allele origin: unknown. Inheritance: Autosomal dominant inheritance. Affected: yes.
Comment: Criteria applied: PM2,PP2,PP3

NM_000937.5(POLR2A):c.2642A>C (p.Asn881Thr)

Genes: POLR2A (RNA polymerase II subunit A; plus strand), LOC126862481 (BRD4-independent group 4 enhancer GRCh37_chr17:7405086-7406285; plus strand). Cytogenetic location: 17p13.1.
Variant type: single nucleotide variant.
Coding change: c.2642A>C on transcript NM_000937.5 (MANE Select); coding-DNA position 2642, A replaced by C.
Protein change: p.Asn881Thr; replaces asparagine 881 with threonine.
Molecular consequence: missense variant.
Genome position (GRCh38, 1-based): chr17:7,502,587, A>C. VCF-style: chr17-7502587-A-C. GRCh37 (hg19) VCF-style: chr17-7405906-A-C.
Other names: short protein forms N881T.
Identifiers: ClinVar variation 4845406 (VCV004845406.1).